The following is an entry in ClinVar:

NM_018100.4(EFHC1):c.1016G>A (p.Gly339Glu)

Gene: EFHC1 (EF-hand domain containing 1; plus strand). Cytogenetic location: 6p12.2.
Variant type: single nucleotide variant.
Coding change: c.1016G>A on transcript NM_018100.4 (MANE Select); coding-DNA position 1016, G replaced by A.
Protein change: p.Gly339Glu; replaces glycine 339 with glutamic acid.
Molecular consequence: missense variant. On other transcripts: non-coding transcript variant (1).
Genome position (GRCh38, 1-based): chr6:52,464,994, G>A. VCF-style: chr6-52464994-G-A. GRCh37 (hg19) VCF-style: chr6-52329792-G-A.
Other names: c.959G>A, p.Gly320Glu (NM_001172420.2); short protein forms G320E, G339E.
Identifiers: ClinVar variation 942531 (VCV000942531.11), dbSNP rs779882152, ClinGen allele CA3855970.
Genomic context (GRCh38, chr6:52,464,994, plus strand): 5'-AAGTGTTGGAATGGTATACTGCTAAAGACTTCATTGTTGGGAAGTCACTCACTATCCTTG[G>A]GAGAACTTTCTTCATTTATGATTGTGATCCATTTACTCGACGGTATTACAAAGAGAAGTT-3'
Protein context (NP_060570.2, residues 329-349): FIVGKSLTIL[Gly339Glu]RTFFIYDCDP

ClinVar aggregate classification (germline): Uncertain significance (1 of 4 stars; one submission).

Conditions:
Myoclonic epilepsy, juvenile, susceptibility to, 1. Also called: Myoclonic Epilepsy, Juvenile, 1; EJM1. Identifiers: MedGen C1850778, MONDO:0020752, OMIM 254770.
Absence seizure. Also called: Absence epilepsy. Identifiers: Orphanet 1941, MedGen C0014553.

Allele frequency attached by ClinVar (database versions not stated): gnomAD exomes 0.00002 and 0.00003; ExAC 0.00003.
gnomAD v4.1: 27 of 1,614,078 alleles (0.0017%); highest among the groups gnomAD compares: Non-Finnish European, 0.0023%; 1 homozygote.

Submission:

Labcorp Genetics (formerly Invitae), Labcorp
Classification: Uncertain significance for Myoclonic epilepsy, juvenile, susceptibility to, 1; Absence seizure. Last evaluated: 2022-03-23. Review status: criteria provided, single submitter. Criteria: Invitae Variant Classification Sherloc (09022015). Collection method: clinical testing. Allele origin: germline.
Comment: This variant has not been reported in the literature in individuals affected with EFHC1-related conditions. ClinVar contains an entry for this variant (Variation ID: 942531). Algorithms developed to predict the effect of missense changes on protein structure and function are either unavailable or do not agree on the potential impact of this missense change (SIFT: "Tolerated"; PolyPhen-2: "Probably Damaging"; Align-GVGD: "Class C0"). In summary, the available evidence is currently insufficient to determine the role of this variant in disease. Therefore, it has been classified as a Variant of Uncertain Significance. This variant is present in population databases (rs779882152, gnomAD 0.006%). This sequence change replaces glycine, which is neutral and non-polar, with glutamic acid, which is acidic and polar, at codon 339 of the EFHC1 protein (p.Gly339Glu).